The following is an entry in ClinVar:

NM_002693.3(POLG):c.1232T>C (p.Leu411Pro)

Gene: POLG (DNA polymerase gamma, catalytic subunit; minus strand). Cytogenetic location: 15q26.1.
Variant type: single nucleotide variant.
Coding change: c.1232T>C on transcript NM_002693.3 (MANE Select); coding-DNA position 1232, T replaced by C.
Protein change: p.Leu411Pro; replaces leucine 411 with proline.
Molecular consequence: missense variant.
Genome position (GRCh38, 1-based): chr15:89,328,474, A>G on the plus strand (T>C on the coding strand, the complement: POLG is on the minus strand). VCF-style: chr15-89328474-A-G. GRCh37 (hg19) VCF-style: chr15-89871705-A-G.
Other names: c.1232T>C, p.Leu411Pro (NM_001126131.2); short protein forms L411P.
Identifiers: ClinVar variation 423974 (VCV000423974.3), dbSNP rs1064796726, ClinGen allele CA16620025.
Genomic context (GRCh38, chr15:89,328,474, plus strand): 5'-ACACACTGACCCCCAGAGATTCCCACATGGGCTCCCCCTCACCTCTCCAAGAAGAGCGGT[A>G]GCTGCTGCTGGAAAACCTCATGGGTGGCCCACACGTCCTGGGCACAGTACTGCATCAGGT-3'
Protein context (NP_002684.1, residues 401-421): WATHEVFQQQ[Leu411Pro]PLFLERCPHP

ClinVar aggregate classification (germline): Uncertain significance. Review status: criteria provided, multiple submitters, no conflicts (2 of 4 stars). 2 submissions from 2 submitters: Uncertain significance (2). Last evaluated 2026-01-07.

Allele frequency attached by ClinVar (database versions not stated): TOPMed below 0.00001; gnomAD 0.00001.
gnomAD v4.1: 1 of 1,613,640 alleles (0.000062%); highest among the groups gnomAD compares: Non-Finnish European, 0.000085%; no homozygotes.

Submissions (2):

Women's Health and Genetics/Laboratory Corporation of America, LabCorp
Classification: Uncertain significance. Last evaluated: 2026-01-07. Review status: criteria provided, single submitter. Criteria: LabCorp Variant Classification Summary - May 2015. Collection method: clinical testing. Allele origin: germline.
Comment: Variant summary: POLG c.1232T>C (p.Leu411Pro) results in a non-conservative amino acid change in the encoded protein sequence. Algorithms developed to predict the effect of missense changes on protein structure and function all suggest that this variant is likely to be disruptive. The variant was absent in 251006 control chromosomes (gnomAD). The available data on variant occurrences in the general population are insufficient to allow any conclusion about variant significance. c.1232T>C has been observed in an individual affected with Mitochondrial DNA Depletion Syndrome - POLG Related (Ng_2017). These data do not allow any conclusion about variant significance. To our knowledge, no experimental evidence demonstrating an impact on protein function has been reported. The following publication has been ascertained in the context of this evaluation (PMID: 28815208). ClinVar contains an entry for this variant (Variation ID: 423974). Based on the evidence outlined above, the variant was classified as uncertain significance.

GeneDx
Classification: Uncertain significance. Last evaluated: 2017-03-07. Review status: criteria provided, single submitter. Criteria: GeneDx Variant Classification (06012015). Collection method: clinical testing. Allele origin: germline. Affected: yes.
Comment: The L411P variant in the POLG gene has been reported previously in the heterozygous state with another POLG variant with unknown phase in an individual with progressive ataxia and evidence of mitochondrial disease of muscle biopsy (Bargiela et al., 2015). The L411P variant is not observed in large population cohorts (Lek et al., 2016; 1000 Genomes Consortium et al., 2015; Exome Variant Server). The L411P variant is a semi-conservative amino acid substitution, which may impact secondary protein structure as these residues differ in some properties. This substitution occurs at a position where amino acids with similar properties to Leucine are tolerated across species. In silico analysis predicts this variant is probably damaging to the protein structure/function. We interpret L411P as a variant of uncertain significance.

Literature cited by the submitters: PubMed 28815208 (cited by Women's Health and Genetics/Laboratory Corporation of America, LabCorp).